The following is an entry in ClinVar:

NM_000180.3(GUCY2D):c.389del (p.Pro130Leufs)

Gene: GUCY2D (guanylate cyclase 2D, retinal; plus strand). Cytogenetic location: 17p13.1.
Variant type: Deletion.
Coding change: c.389del on transcript NM_000180.3; coding-DNA position 389, one base deleted (C; older notation c.389delC).
Protein change: p.Pro130Leufs; shifts the reading frame from proline 130.
Molecular consequence: frameshift variant.
Genome position (GRCh38, 1-based): chr17:8,003,436, C deleted; the last of 3 consecutive C bases (chr17:8,003,434-8,003,436); deleting any one gives the same sequence. VCF-style (leftmost placement, unchanged base first): chr17-8003433-AC-A. GRCh37 (hg19) VCF-style: chr17-7906751-AC-A.
Other names: NM_000180.3(GUCY2D):c.389del; p.Pro130Leufs; c.389del, p.Pro130fs (NM_000180.4); c.389delC (NM_000180.3); c.387delC (NM_000180.3); short protein forms P130fs.
Identifiers: ClinVar variation 98602 (VCV000098602.21), dbSNP rs61749670, ClinGen allele CA226143.

ClinVar aggregate classification (germline): Pathogenic. Review status: reviewed by expert panel (3 of 4 stars). 12 submissions from 12 submitters: Pathogenic (1). 11 of the submissions do not count toward it. Last evaluated 2025-01-30.

Conditions:
GUCY2D-related disorders.
GUCY2D-related recessive retinopathy. Also called: Recessive GUCY2D retinopathy. Identifiers: MedGen CN305603, MONDO:0100453.
Choroidal dystrophy, central areolar, 1. Identifiers: Orphanet 75377, MedGen C4551884, MONDO:0024539, OMIM 215500.
Cone-rod dystrophy 6 (CORD6). Also called: RETINAL CONE DYSTROPHY 2; Cone dystrophy progressive. Identifiers: Orphanet 1872, MedGen C1866293, MONDO:0011143, OMIM 601777.
Leber congenital amaurosis 1 (LCA1). Also called: RETINAL BLINDNESS, CONGENITAL; Congenital absence of the rods and cones; Leber's congenital tapetoretinal degeneration; Leber's congenital tapetoretinal dysplasia; AMAUROSIS CONGENITA OF LEBER I. Identifiers: Orphanet 65, MedGen C2931258, MONDO:0008764, OMIM 204000.
Night blindness, congenital stationary, type1i. Also called: NIGHT BLINDNESS, CONGENITAL STATIONARY, TYPE 1I. Identifiers: MedGen C5231408, MONDO:0032811, OMIM 618555.
Leber congenital amaurosis (LCA). Also called: Leber's amaurosis. Identifiers: Orphanet 65, MedGen C0339527, MeSH D057130, MONDO:0018998.

Submissions (12):

ClinGen Leber Congenital Amaurosis/early Onset Retinal Dystrophy Variant Curation Expert Panel, ClinGen
Classification: Pathogenic for GUCY2D-related recessive retinopathy. Last evaluated: 2025-01-30. Review status: reviewed by expert panel. Criteria: ClinGen LCAeoRD ACMG Specifications GUCY2D V1.0.0. Collection method: curation. Allele origin: germline. Inheritance: Autosomal recessive inheritance.
Comment: The NM_000180.4(GUCY2D):c.389del (p.Pro130LeufsTer?) variant is a frameshift variant in exon 2 of 20, and is predicted to lead to nonsense-mediated decay in a gene in which loss-of-function is an established mechanism of disease (PVS1). This variant is present in gnomAD v4.1.0 at a total allele frequency of 0.000002639, with 4 alleles / 1515578 total alleles, which is lower than the ClinGen LCA/eoRD VCEP PM2_Supporting threshold of <0.0004 (PM2_Supporting). At least one proband harboring this variant exhibits a phenotype including a diagnosis of LCA (0.5 pts), present at birth (1.0 pt), nystagmus (1.0 pt), extinguished ERG (0.5 pt), photophobia (1 pt) and dyschromatopsia (1 pt). That proband also had clinical exome sequencing performed without any additional potential causative variants identified (4 pts). Together these are highly specific for GUCY2D-related recessive retinopathy (total 9 points, PMID: 37327959, PP4_Moderate). This variant has been reported in at least 4 unrelated probands with early-onset severe retinal dystrophy who were homozygous for the variant (1 point, PMIDs: 8944027, 10951519). This variant has also been reported in at least 3 probands with early-onset severe retinal dystrophy who were compound heterozygotes with variants not yet classified by the LCA/eoRD VCEP and who were not considered for this code. (1 total point, PM3). The variant has been reported to segregate with childhood-onset severe retinal dystrophy through the proband plus 1 similarly affected relative, with the variant present in the homozygous state (PP1; PMID: 8944027). In summary, this variant meets the criteria to be classified as Pathogenic for GUCY2D-related recessive retinopathy based on the ACMG/AMP criteria applied, as specified by the ClinGen LCA/eoRD VCEP: PVS1, PP1, PM3, PP4_Moderate, PM2_Supporting. (VCEP specifications version 1.0.0; date of approval 01/22/2025).

OLLIN Analises Genomicas, OLLIN
Classification: Pathogenic for Leber congenital amaurosis 1. Last evaluated: 2026-08-06. Review status: criteria provided, single submitter. Criteria: ACMG Guidelines 2015 PMID 25741868. Collection method: clinical testing. Allele origin: germline. Not counted in ClinVar's aggregate classification.
Comment: This frameshift variant, located in exon 2 (of 20), has been reported in ClinVar (accession VCV000098602.19), in gnomAD with an allele frequency of 0.00026%, and in the scientific literature, segregating with the phenotype and in compound heterozygosity, in individuals with GUCY2D related disorders (PMID: 8944027, 10951519, 37327959). This variant causes a frameshift and introduces a premature stop codon, which is predicted to result in either a truncated protein or degradation of the mRNA via nonsense-mediated decay (NMD). According to the currently available evidence, this variant has been classified as pathogenic (PVS1, PM2_P, PM3, PP1, PP4_M).

Labcorp Genetics (formerly Invitae), Labcorp
Classification: Pathogenic for Leber congenital amaurosis 1; Cone-rod dystrophy 6. Last evaluated: 2025-09-15. Review status: criteria provided, single submitter. Criteria: Invitae Variant Classification Sherloc (09022015). Collection method: clinical testing. Allele origin: germline. Not counted in ClinVar's aggregate classification.
Comment: This sequence change creates a premature translational stop signal (p.Pro130Leufs*36) in the GUCY2D gene. It is expected to result in an absent or disrupted protein product. Loss-of-function variants in GUCY2D are known to be pathogenic (PMID: 10951519, 11328726). This variant is present in population databases (rs61749670, gnomAD 0.009%). This premature translational stop signal has been observed in individual(s) with autosomal recessive Leber congenital amaurosis (PMID: 8944027, 20683928). It has also been observed to segregate with disease in related individuals. ClinVar contains an entry for this variant (Variation ID: 98602). For these reasons, this variant has been classified as Pathogenic.

3billion
Classification: Pathogenic for Leber congenital amaurosis 1. Last evaluated: 2024-12-24. Review status: criteria provided, single submitter. Criteria: ACMG Guidelines, 2015. Collection method: clinical testing. Allele origin: germline. Affected: yes. Not counted in ClinVar's aggregate classification.
Comment: The variant is observed at an extremely low frequency in the gnomAD v4.1.0 dataset (total allele frequency: <0.001%). Predicted Consequence/Location: Frameshift: predicted to result in a loss or disruption of normal protein function through nonsense-mediated decay (NMD) or protein truncation. Multiple pathogenic variants are reported downstream of the variant. The variant has been reported at least twice as pathogenic without evidence for the classification (ClinVar ID: VCV000098602 /PMID: 8944027). Therefore, this variant is classified as Pathogenic according to the recommendation of ACMG/AMP guideline.

Fulgent Genetics
Classification: Pathogenic for Leber congenital amaurosis 1; Choroidal dystrophy, central areolar, 1; Cone-rod dystrophy 6; Night blindness, congenital stationary, type1i. Last evaluated: 2024-03-20. Review status: criteria provided, single submitter. Criteria: ACMG Guidelines, 2015. Collection method: clinical testing. Allele origin: germline. Not counted in ClinVar's aggregate classification.

Blueprint Genetics
Classification: Pathogenic for GUCY2D-related disorders. Last evaluated: 2023-01-12. Review status: criteria provided, single submitter. Criteria: ACMG Guidelines, 2015. Collection method: clinical testing. Allele origin: germline. Affected: yes. Observed: 2 variant alleles. Not counted in ClinVar's aggregate classification.

GeneDx
Classification: Pathogenic. Last evaluated: 2021-10-28. Review status: criteria provided, single submitter. Criteria: GeneDx Variant Classification Process June 2021. Collection method: clinical testing. Allele origin: germline. Affected: yes. Not counted in ClinVar's aggregate classification.
Comment: Frameshift variant predicted to result in protein truncation or nonsense mediated decay in a gene for which loss-of-function is a known mechanism of disease; This variant is associated with the following publications: (PMID: 24265693, 8944027, 20683928, 20604683, 31814694, 32865313, 31736247, 32094338)

Department of Genetics, Rouen University Hospital, Normandy Center for Genomic and Personalized Medicine
Classification: Pathogenic for Leber congenital amaurosis 1. Review status: criteria provided, single submitter. Criteria: ACMG Guidelines, 2015. Collection method: clinical testing. Allele origin: biparental. Affected: yes. Not counted in ClinVar's aggregate classification.

Sharon lab, Hadassah-Hebrew University Medical Center
Classification: Likely pathogenic for leber congenital amaurosis. Last evaluated: 2019-06-23. Review status: no assertion criteria provided. Collection method: research. Allele origin: inherited. Affected: yes. Not counted in ClinVar's aggregate classification.

OMIM
Classification: Pathogenic for LEBER CONGENITAL AMAUROSIS 1. Last evaluated: 1998-08-01. Review status: no assertion criteria provided. Collection method: literature only. Allele origin: germline. Not counted in ClinVar's aggregate classification.

Laboratory of Genetics in Ophthalmology, Institut Imagine
Classification: Pathogenic for Leber congenital amaurosis 1. Review status: no assertion criteria provided. Collection method: research. Allele origin: inherited. Affected: yes. Observed: 16 variant alleles. Not counted in ClinVar's aggregate classification.

Retina International
No classification provided. Review status: no classification provided. Collection method: not provided. Allele origin: not provided. Not counted in ClinVar's aggregate classification.

Literature cited by the submitters: PubMed 8944027 (cited by 4 submitters); PubMed 10951519 (cited by OLLIN Analises Genomicas, OLLIN and Labcorp Genetics (formerly Invitae), Labcorp); PubMed 37327959 (cited by OLLIN Analises Genomicas, OLLIN); PubMed 11328726 (cited by Labcorp Genetics (formerly Invitae), Labcorp); PubMed 20683928 (cited by Labcorp Genetics (formerly Invitae), Labcorp); PubMed 9683616 (cited by OMIM).